The following is an entry in ClinVar:

NM_031935.3(HMCN1):c.7563AGA[1] (p.Glu2522del)

Gene: HMCN1 (hemicentin 1; plus strand). Cytogenetic location: 1q31.1.
Variant type: Microsatellite.
Coding change: c.7563AGA[1] on transcript NM_031935.3 (MANE Select); one copy of the 3-base unit AGA starting at c.7563; the reference has two copies in a row; one copy, 3 bases deleted.
Protein change: p.Glu2522del; deletes glutamic acid 2522.
Molecular consequence: inframe deletion.
Genome position (GRCh38, 1-based): chr1:186,065,290-186,065,292, AGA deleted; deleting any 3 consecutive bases within chr1:186,065,286-186,065,292 gives the same sequence; the position shown is the placement nearest the transcript's 3' end. VCF-style (leftmost placement, unchanged base first): chr1-186065285-CAAG-C. GRCh37 (hg19) VCF-style: chr1-186034417-CAAG-C.
Other names: short protein forms E2522del.
Identifiers: ClinVar variation 4754639 (VCV004754639.1).

ClinVar aggregate classification (germline): Uncertain significance (1 of 4 stars; one submission).

Submission:

Labcorp Genetics (formerly Invitae), Labcorp
Classification: Uncertain significance. Last evaluated: 2025-04-08. Review status: criteria provided, single submitter. Criteria: Invitae Variant Classification Sherloc (09022015). Collection method: clinical testing. Allele origin: germline.
Comment: This variant, c.7566_7568del, results in the deletion of 1 amino acid(s) of the HMCN1 protein (p.Glu2522del), but otherwise preserves the integrity of the reading frame. This variant is present in population databases (rs781424301, gnomAD 0.03%). This variant has not been reported in the literature in individuals affected with HMCN1-related conditions. Experimental studies and prediction algorithms are not available or were not evaluated, and the functional significance of this variant is currently unknown. In summary, the available evidence is currently insufficient to determine the role of this variant in disease. Therefore, it has been classified as a Variant of Uncertain Significance.